The following is an entry in ClinVar:

NM_000051.4(ATM):c.3133T>G (p.Cys1045Gly)

Gene: ATM (ATM serine/threonine kinase; plus strand). Cytogenetic location: 11q22.3.
Variant type: single nucleotide variant.
Coding change: c.3133T>G on transcript NM_000051.4 (MANE Select); coding-DNA position 3133, T replaced by G.
Protein change: p.Cys1045Gly; replaces cysteine 1045 with glycine.
Molecular consequence: missense variant.
Genome position (GRCh38, 1-based): chr11:108,272,587, T>G. VCF-style: chr11-108272587-T-G. GRCh37 (hg19) VCF-style: chr11-108143314-T-G.
Other names: c.3133T>G, p.Cys1045Gly (NM_001351834.2); short protein forms C1045G.
Identifiers: ClinVar variation 629510 (VCV000629510.4), dbSNP rs1565427891, ClinGen allele CA382515290.

ClinVar aggregate classification (germline): Uncertain significance (1 of 4 stars; one submission).

Conditions:
Hereditary cancer-predisposing syndrome. Also called: Neoplastic Syndromes, Hereditary; Tumor predisposition; Hereditary neoplastic syndrome; Hereditary Cancer Syndrome. Identifiers: Orphanet 140162, MedGen C0027672, MeSH D009386, MONDO:0015356.

Submission:

Color Diagnostics, LLC DBA Color Health
Classification: Uncertain significance for Hereditary cancer-predisposing syndrome. Last evaluated: 2023-12-05. Review status: criteria provided, single submitter. Criteria: ACMG Guidelines, 2015. Collection method: clinical testing. Allele origin: germline.
Comment: This missense variant replaces cysteine with glycine at codon 1045 of the ATM protein. Computational prediction is inconclusive regarding the impact of this variant on protein structure and function (internally defined REVEL score threshold 0.5 < inconclusive < 0.7, PMID: 27666373). To our knowledge, functional studies have not been reported for this variant. This variant has not been reported in individuals affected with ATM-related disorders in the literature. This variant has not been identified in the general population by the Genome Aggregation Database (gnomAD). The available evidence is insufficient to determine the role of this variant in disease conclusively. Therefore, this variant is classified as a Variant of Uncertain Significance.